The following is an entry in ClinVar:

NM_176787.5(PIGN):c.2026_2027del (p.Arg676fs)

Gene: PIGN (phosphatidylinositol glycan anchor biosynthesis class N; minus strand). Cytogenetic location: 18q21.33.
Variant type: Deletion.
Coding change: c.2026_2027del on transcript NM_176787.5 (MANE Select); coding-DNA positions 2026 to 2027, 2 bases deleted (AG; older notation c.2026_2027delAG).
Protein change: p.Arg676fs; shifts the reading frame from arginine 676.
Molecular consequence: frameshift variant.
Genome position (GRCh38, 1-based): chr18:62,101,125-62,101,126, CT deleted on the plus strand (AG on the coding strand, the reverse complement: PIGN is on the minus strand). VCF-style (leftmost placement, unchanged base first): chr18-62101124-CCT-C. GRCh37 (hg19) VCF-style: chr18-59768357-CCT-C.
Other names: c.2026_2027del, p.Arg676fs (NM_012327.6); short protein forms R676fs.
Identifiers: ClinVar variation 1378427 (VCV001378427.6), dbSNP rs2034420069, ClinGen allele CA2308175930.

ClinVar aggregate classification (germline): Pathogenic (1 of 4 stars; one submission).

Conditions:
Multiple congenital anomalies-hypotonia-seizures syndrome 1 (MCAHS1). Also called: PIGN-CDG; Congenital disorder of glycosylation due to PIGN deficiency; GLYCOSYLPHOSPHATIDYLINOSITOL BIOSYNTHESIS DEFECT 3. Identifiers: Orphanet 280633, MedGen C3279775, MONDO:0013563, OMIM 614080.

Submission:

Labcorp Genetics (formerly Invitae), Labcorp
Classification: Pathogenic for Multiple congenital anomalies-hypotonia-seizures syndrome 1. Last evaluated: 2023-10-03. Review status: criteria provided, single submitter. Criteria: Invitae Variant Classification Sherloc (09022015). Collection method: clinical testing. Allele origin: germline.
Comment: This sequence change creates a premature translational stop signal (p.Arg676Glufs*12) in the PIGN gene. It is expected to result in an absent or disrupted protein product. Loss-of-function variants in PIGN are known to be pathogenic (PMID: 24253414, 27038415). This variant is not present in population databases (gnomAD no frequency). This variant has not been reported in the literature in individuals affected with PIGN-related conditions. ClinVar contains an entry for this variant (Variation ID: 1378427). For these reasons, this variant has been classified as Pathogenic.

Literature cited by the submitters: PubMed 24253414; PubMed 27038415.